The following is an entry in ClinVar:

NM_031407.7(HUWE1):c.97C>G (p.Gln33Glu)

Gene: HUWE1 (HECT, UBA and WWE domain containing E3 ubiquitin protein ligase 1; minus strand). Cytogenetic location: Xp11.22.
Variant type: single nucleotide variant.
Coding change: c.97C>G on transcript NM_031407.7 (MANE Select); coding-DNA position 97, C replaced by G.
Protein change: p.Gln33Glu; replaces glutamine 33 with glutamic acid.
Molecular consequence: missense variant.
Genome position (GRCh38, 1-based): chrX:53,648,259, G>C on the plus strand (C>G on the coding strand, the complement: HUWE1 is on the minus strand). VCF-style: chrX-53648259-G-C. GRCh37 (hg19) VCF-style: chrX-53675202-G-C.
Other names: short protein forms Q33E.
Identifiers: ClinVar variation 2572674 (VCV002572674.1), dbSNP rs2528958589, ClinGen allele CA413168010.
Genomic context (GRCh38, chrX:53,648,259, plus strand): 5'-TGACTTCACATACCTTTCCAATGTTCCATGTTTTGATCTGCTGCAGTTCCAAGAGAAGTT[G>C]CTCATCATTACAAACTTTGAGTTTGTCTATTAAGGCTCTGCAGTCTGCAGGCTGAGAAAA-3'
Protein context (NP_113584.3, residues 23-43): IDKLKVCNDE[Gln33Glu]LLLELQQIKT

ClinVar aggregate classification (germline): Uncertain significance (1 of 4 stars; one submission).

Submission:

GeneDx
Classification: Uncertain significance. Last evaluated: 2023-01-12. Review status: criteria provided, single submitter. Criteria: GeneDx Variant Classification Process June 2021. Collection method: clinical testing. Allele origin: germline. Affected: yes.
Comment: Not observed at significant frequency in large population cohorts (gnomAD); In silico analysis supports that this missense variant does not alter protein structure/function; Has not been previously published as pathogenic or benign to our knowledge